The following is an entry in ClinVar:

NM_001134407.3(GRIN2A):c.4052G>A (p.Ser1351Asn)

Gene: GRIN2A (glutamate ionotropic receptor NMDA type subunit 2A; minus strand). Cytogenetic location: 16p13.2.
Variant type: single nucleotide variant.
Coding change: c.4052G>A on transcript NM_001134407.3 (MANE Select); coding-DNA position 4052, G replaced by A.
Protein change: p.Ser1351Asn; replaces serine 1351 with asparagine.
Molecular consequence: missense variant. On other transcripts: intron variant (1).
Genome position (GRCh38, 1-based): chr16:9,763,492, C>T on the plus strand (G>A on the coding strand, the complement: GRIN2A is on the minus strand). VCF-style: chr16-9763492-C-T. GRCh37 (hg19) VCF-style: chr16-9857349-C-T.
Other names: c.4052G>A, p.Ser1351Asn (NM_000833.5); c.3773-64G>A (NM_001134408.2); short protein forms S1351N.
Identifiers: ClinVar variation 1675615 (VCV001675615.35), dbSNP rs2141127120, ClinGen allele CA394706208.

ClinVar aggregate classification (germline): Uncertain significance. Review status: criteria provided, multiple submitters, no conflicts (2 of 4 stars). 2 submissions from 2 submitters: Uncertain significance (2). Last evaluated 2024-02-18.

Conditions:
Landau-Kleffner syndrome (FESD). Also called: EPILEPSY, FOCAL, WITH SPEECH DISORDER AND WITH OR WITHOUT MENTAL RETARDATION; APHASIA, ACQUIRED, WITH EPILEPSY. Identifiers: Orphanet 1945, Orphanet 725, Orphanet 98818, MedGen C0282512, MONDO:0009509, OMIM 245570.

Submissions (2):

Labcorp Genetics (formerly Invitae), Labcorp
Classification: Uncertain significance for Landau-Kleffner syndrome. Last evaluated: 2024-02-18. Review status: criteria provided, single submitter. Criteria: Invitae Variant Classification Sherloc (09022015). Collection method: clinical testing. Allele origin: germline.
Comment: This sequence change replaces serine, which is neutral and polar, with asparagine, which is neutral and polar, at codon 1351 of the GRIN2A protein (p.Ser1351Asn). This variant is not present in population databases (gnomAD no frequency). This variant has not been reported in the literature in individuals affected with GRIN2A-related conditions. ClinVar contains an entry for this variant (Variation ID: 1675615). Advanced modeling of protein sequence and biophysical properties (such as structural, functional, and spatial information, amino acid conservation, physicochemical variation, residue mobility, and thermodynamic stability) performed at Invitae indicates that this missense variant is not expected to disrupt GRIN2A protein function with a negative predictive value of 95%. In summary, the available evidence is currently insufficient to determine the role of this variant in disease. Therefore, it has been classified as a Variant of Uncertain Significance.

CeGaT Center for Human Genetics Tuebingen
Classification: Uncertain significance. Last evaluated: 2022-01-01. Review status: criteria provided, single submitter. Criteria: CeGaT Center For Human Genetics Tuebingen Variant Classification Criteria Version 2. Collection method: clinical testing. Allele origin: germline. Affected: yes. Observed: 1 variant allele.